The following is an entry in ClinVar:

NM_001199397.3(NEK1):c.2089C>T (p.Gln697Ter)

Gene: NEK1 (NIMA related kinase 1; minus strand). Cytogenetic location: 4q33.
Variant type: single nucleotide variant.
Coding change: c.2089C>T on transcript NM_001199397.3 (MANE Select); coding-DNA position 2089, C replaced by T.
Protein change: p.Gln697Ter; replaces glutamine 697 with a stop codon.
Molecular consequence: nonsense. On other transcripts: non-coding transcript variant (1).
Genome position (GRCh38, 1-based): chr4:169,479,453, G>A on the plus strand (C>T on the coding strand, the complement: NEK1 is on the minus strand). VCF-style: chr4-169479453-G-A. GRCh37 (hg19) VCF-style: chr4-170400604-G-A.
Other names: c.1957C>T, p.Gln653Ter (NM_001199398.3); c.1798C>T, p.Gln600Ter (NM_001199399.3); c.1873C>T, p.Gln625Ter (NM_001199400.3); c.2089C>T, p.Gln697Ter (NM_001374418.1); c.2005C>T, p.Gln669Ter (NM_001374419.1, NM_012224.4); c.1954C>T, p.Gln652Ter (NM_001374420.1); c.1783C>T, p.Gln595Ter (NM_001374421.1); short protein forms Q595*, Q600*, Q625*, Q652*, Q653*, Q669*, Q697*.
Identifiers: ClinVar variation 1323355 (VCV001323355.6), dbSNP rs2149558070, ClinGen allele CA358733375.

ClinVar aggregate classification (germline): Pathogenic (1 of 4 stars; one submission).

Conditions:
Short-rib thoracic dysplasia 6 with or without polydactyly (SRTD6). Also called: Majewski Syndrome; SHORT-RIB THORACIC DYSPLASIA 6 WITH POLYDACTYLY; SHORT-RIB THORACIC DYSPLASIA 6 WITHOUT POLYDACTYLY; POLYDACTYLY WITH NEONATAL CHONDRODYSTROPHY, TYPE II; SHORT RIB-POLYDACTYLY SYNDROME, TYPE IIA. Identifiers: MedGen C0024507, MONDO:0009894, OMIM 263520.

gnomAD v4.1: 12 of 1,612,236 alleles (0.00074%); highest among the groups gnomAD compares: Non-Finnish European, 0.001%; no homozygotes.

Submission:

Labcorp Genetics (formerly Invitae), Labcorp
Classification: Pathogenic for Short-rib thoracic dysplasia 6 with or without polydactyly. Last evaluated: 2022-10-17. Review status: criteria provided, single submitter. Criteria: Invitae Variant Classification Sherloc (09022015). Collection method: clinical testing. Allele origin: germline.
Comment: ClinVar contains an entry for this variant (Variation ID: 1323355). For these reasons, this variant has been classified as Pathogenic. Algorithms developed to predict the effect of sequence changes on RNA splicing suggest that this variant may disrupt the consensus splice site. This variant has not been reported in the literature in individuals affected with NEK1-related conditions. This variant is not present in population databases (gnomAD no frequency). This sequence change creates a premature translational stop signal (p.Gln669*) in the NEK1 gene. It is expected to result in an absent or disrupted protein product. Loss-of-function variants in NEK1 are known to be pathogenic (PMID: 22499340, 29068549).

Literature cited by the submitters: PubMed 22499340; PubMed 29068549.